The following is an entry in ClinVar:

ClinVar aggregate classification (germline): Uncertain significance (1 of 4 stars; one submission).

Conditions:
VTN-related disorder. Also called: VTN-related condition.

Allele frequency attached by ClinVar (database versions not stated): gnomAD exomes below 0.00001.

Submission:

PreventionGenetics, part of Exact Sciences
Classification: Uncertain significance for VTN-related condition. Last evaluated: 2022-10-20. Review status: criteria provided, single submitter. Criteria: ACMG Guidelines, 2015. Collection method: clinical testing. Allele origin: germline.
Comment: The VTN c.1382A>G variant is predicted to result in the amino acid substitution p.Tyr461Cys. To our knowledge, this variant has not been reported in the literature or in a large population database, indicating this variant is rare. At this time, the clinical significance of this variant is uncertain due to the absence of conclusive functional and genetic evidence.

NM_000638.4(VTN):c.1382A>G (p.Tyr461Cys)

Gene: VTN (vitronectin; minus strand). Cytogenetic location: 17q11.2.
Variant type: single nucleotide variant.
Coding change: c.1382A>G on transcript NM_000638.4 (MANE Select); coding-DNA position 1382, A replaced by G.
Protein change: p.Tyr461Cys; replaces tyrosine 461 with cysteine.
Molecular consequence: missense variant.
Genome position (GRCh38, 1-based): chr17:28,367,424, T>C on the plus strand (A>G on the coding strand, the complement: VTN is on the minus strand). VCF-style: chr17-28367424-T-C. GRCh37 (hg19) VCF-style: chr17-26694445-T-C.
Other names: short protein forms Y461C.
Identifiers: ClinVar variation 2634667 (VCV002634667.1), dbSNP rs994071377, ClinGen allele CA289094714.